The following is an entry in ClinVar:

NM_002691.4(POLD1):c.3274C>G (p.Gln1092Glu)

Gene: POLD1 (DNA polymerase delta 1, catalytic subunit; plus strand). Cytogenetic location: 19q13.33.
Variant type: single nucleotide variant.
Coding change: c.3274C>G on transcript NM_002691.4 (MANE Select); coding-DNA position 3274, C replaced by G.
Protein change: p.Gln1092Glu; replaces glutamine 1092 with glutamic acid.
Molecular consequence: missense variant. On other transcripts: non-coding transcript variant (1).
Genome position (GRCh38, 1-based): chr19:50,417,897, C>G. VCF-style: chr19-50417897-C-G. GRCh37 (hg19) VCF-style: chr19-50921154-C-G.
Other names: c.3274C>G, p.Gln1092Glu (NM_001256849.1); c.3352C>G, p.Gln1118Glu (NM_001308632.1); c.3274C>G (NM_002691.2); short protein forms Q1092E, Q1118E.
Identifiers: ClinVar variation 2108668 (VCV002108668.5), dbSNP rs766669368, ClinGen allele CA9596835.

ClinVar aggregate classification (germline): Conflicting classifications of pathogenicity. Review status: criteria provided, conflicting classifications (1 of 4 stars). 2 submissions from 2 submitters: Uncertain significance (1); Likely benign (1). Last evaluated 2026-06-26.

Conditions:
Hereditary cancer-predisposing syndrome. Also called: Tumor predisposition; Hereditary Cancer Syndrome; Hereditary neoplastic syndrome; Neoplastic Syndromes, Hereditary. Identifiers: Orphanet 140162, MedGen C0027672, MeSH D009386, MONDO:0015356.
POLD1-related polyposis and colorectal cancer syndrome (CRCS10). Also called: Colorectal cancer 10; Colorectal cancer, susceptibility to, 10; COLORECTAL CANCER, SUSCEPTIBILITY TO, ON CHROMOSOME 19q. Identifiers: Orphanet 220460, MedGen C2675481, MONDO:0012953, OMIM 612591.

Allele frequency attached by ClinVar (database versions not stated): ExAC 0.00001.

Submissions (2):

Ambry Genetics
Classification: Likely benign for Hereditary cancer-predisposing syndrome. Last evaluated: 2026-06-26. Review status: criteria provided, single submitter. Criteria: Ambry Variant Classification Scheme 2023. Collection method: clinical testing. Allele origin: germline.

Labcorp Genetics (formerly Invitae), Labcorp
Classification: Uncertain significance for POLD1-related polyposis and colorectal cancer syndrome. Last evaluated: 2023-01-05. Review status: criteria provided, single submitter. Criteria: Invitae Variant Classification Sherloc (09022015). Collection method: clinical testing. Allele origin: germline.
Comment: In summary, the available evidence is currently insufficient to determine the role of this variant in disease. Therefore, it has been classified as a Variant of Uncertain Significance. Advanced modeling of protein sequence and biophysical properties (such as structural, functional, and spatial information, amino acid conservation, physicochemical variation, residue mobility, and thermodynamic stability) performed at Invitae indicates that this missense variant is not expected to disrupt POLD1 protein function. This variant has not been reported in the literature in individuals affected with POLD1-related conditions. The frequency data for this variant in the population databases is considered unreliable, as metrics indicate poor data quality at this position in the gnomAD database. This sequence change replaces glutamine, which is neutral and polar, with glutamic acid, which is acidic and polar, at codon 1092 of the POLD1 protein (p.Gln1092Glu).